The following is an entry in ClinVar:

ClinVar aggregate classification (germline): Uncertain significance. Review status: criteria provided, multiple submitters, no conflicts (2 of 4 stars). 2 submissions from 2 submitters: Uncertain significance (2). Last evaluated 2026-01-07.

Conditions:
Inborn genetic diseases. Identifiers: MedGen C0950123, MeSH D030342.

Allele frequency attached by ClinVar (database versions not stated): gnomAD exomes below 0.00001.
gnomAD v4.1: 3 of 1,613,074 alleles (0.00019%); highest among the groups gnomAD compares: Non-Finnish European, 0.00017%; no homozygotes.

Submissions (2):

Labcorp Genetics (formerly Invitae), Labcorp
Classification: Uncertain significance. Last evaluated: 2026-01-07. Review status: criteria provided, single submitter. Criteria: Invitae Variant Classification Sherloc (09022015). Collection method: clinical testing. Allele origin: germline.
Comment: This sequence change replaces alanine, which is neutral and non-polar, with valine, which is neutral and non-polar, at codon 1386 of the SAMD9L protein (p.Ala1386Val). The frequency data for this variant in the population databases is considered unreliable, as metrics indicate poor data quality at this position in the gnomAD database. This variant has not been reported in the literature in individuals affected with SAMD9L-related conditions. ClinVar contains an entry for this variant (Variation ID: 1926534). Invitae Evidence Modeling of protein sequence and biophysical properties (such as structural, functional, and spatial information, amino acid conservation, physicochemical variation, residue mobility, and thermodynamic stability) indicates that this missense variant is not expected to disrupt SAMD9L protein function with a negative predictive value of 80%. In summary, the available evidence is currently insufficient to determine the role of this variant in disease. Therefore, it has been classified as a Variant of Uncertain Significance.

Ambry Genetics
Classification: Uncertain significance for Inborn genetic diseases. Last evaluated: 2025-03-28. Review status: criteria provided, single submitter. Criteria: Ambry Variant Classification Scheme 2023. Collection method: clinical testing. Allele origin: germline.

NM_152703.5(SAMD9L):c.4157C>T (p.Ala1386Val)

Gene: SAMD9L (sterile alpha motif domain containing 9 like; minus strand). Cytogenetic location: 7q21.2.
Variant type: single nucleotide variant.
Coding change: c.4157C>T on transcript NM_152703.5 (MANE Select); coding-DNA position 4157, C replaced by T.
Protein change: p.Ala1386Val; replaces alanine 1386 with valine.
Molecular consequence: missense variant.
Genome position (GRCh38, 1-based): chr7:93,131,815, G>A on the plus strand (C>T on the coding strand, the complement: SAMD9L is on the minus strand). VCF-style: chr7-93131815-G-A. GRCh37 (hg19) VCF-style: chr7-92761128-G-A.
Other names: c.4157C>T, p.Ala1386Val (NM_001303496.3, NM_001303497.3, NM_001303498.3 and 5 more transcripts); c.4157C>T (NM_152703.2); short protein forms A1386V.
Identifiers: ClinVar variation 1926534 (VCV001926534.6), dbSNP rs1164703485, ClinGen allele CA368176518.